The following is an entry in ClinVar:

ClinVar aggregate classification (germline): Likely benign (0 of 4 stars; one submission).

Conditions:
PCNT-related disorder. Also called: PCNT-related condition.

gnomAD v4.1: 3 of 1,604,074 alleles (0.00019%); highest among the groups gnomAD compares: Non-Finnish European, 0.00026%; no homozygotes.

Submission:

PreventionGenetics, part of Exact Sciences
Classification: Likely benign for PCNT-related condition. Last evaluated: 2022-05-04. Review status: no assertion criteria provided. Collection method: clinical testing. Allele origin: germline.
Comment: This variant is classified as likely benign based on ACMG/AMP sequence variant interpretation guidelines (Richards et al. 2015 PMID: 25741868, with internal and published modifications).

NM_006031.6(PCNT):c.4539G>A (p.Gln1513=)

Gene: PCNT (pericentrin; plus strand). Cytogenetic location: 21q22.3.
Variant type: single nucleotide variant.
Coding change: c.4539G>A on transcript NM_006031.6 (MANE Select); coding-DNA position 4539, G replaced by A.
Protein change: p.Gln1513=; no amino-acid change (glutamine 1513 retained).
Molecular consequence: synonymous variant.
Genome position (GRCh38, 1-based): chr21:46,398,106, G>A. VCF-style: chr21-46398106-G-A. GRCh37 (hg19) VCF-style: chr21-47818020-G-A.
Other names: c.4185G>A, p.Gln1395= (NM_001315529.2).
Identifiers: ClinVar variation 3354361 (VCV003354361.1).